The following is an entry in ClinVar:

NM_138395.4(MARS2):c.1194G>A (p.Glu398=)

Gene: MARS2 (methionyl-tRNA synthetase 2, mitochondrial; plus strand). Cytogenetic location: 2q33.1.
Variant type: single nucleotide variant.
Coding change: c.1194G>A on transcript NM_138395.4 (MANE Select); coding-DNA position 1194, G replaced by A.
Protein change: p.Glu398=; no amino-acid change (glutamic acid 398 retained).
Molecular consequence: synonymous variant.
Genome position (GRCh38, 1-based): chr2:197,706,599, G>A. VCF-style: chr2-197706599-G-A. GRCh37 (hg19) VCF-style: chr2-198571323-G-A.
Identifiers: ClinVar variation 718990 (VCV000718990.11), dbSNP rs371800063, ClinGen allele CA62878888.

ClinVar aggregate classification (germline): Likely benign. Review status: criteria provided, single submitter (1 of 4 stars). 2 submissions from 2 submitters: Likely benign (1). 1 of the submissions does not count toward it. Last evaluated 2026-01-15.

Conditions:
MARS2-related disorder. Also called: MARS2-related condition.

Allele frequency attached by ClinVar (database versions not stated): TOPMed below 0.00001.

Submissions (2):

Labcorp Genetics (formerly Invitae), Labcorp
Classification: Likely benign. Last evaluated: 2026-01-15. Review status: criteria provided, single submitter. Criteria: Invitae Variant Classification Sherloc (09022015). Collection method: clinical testing. Allele origin: germline.

PreventionGenetics, part of Exact Sciences
Classification: Likely benign for MARS2-related condition. Last evaluated: 2020-01-03. Review status: no assertion criteria provided. Collection method: clinical testing. Allele origin: germline. Not counted in ClinVar's aggregate classification.
Comment: This variant is classified as likely benign based on ACMG/AMP sequence variant interpretation guidelines (Richards et al. 2015 PMID: 25741868, with internal and published modifications).